The following is an entry in ClinVar:

NM_032108.4(SEMA6B):c.2289C>T (p.Pro763=)

Gene: SEMA6B (semaphorin 6B; minus strand). Cytogenetic location: 19p13.3.
Variant type: single nucleotide variant.
Coding change: c.2289C>T on transcript NM_032108.4 (MANE Select); coding-DNA position 2289, C replaced by T.
Protein change: p.Pro763=; no amino-acid change (proline 763 retained).
Molecular consequence: synonymous variant.
Genome position (GRCh38, 1-based): chr19:4,543,979, G>A on the plus strand (C>T on the coding strand, the complement: SEMA6B is on the minus strand). VCF-style: chr19-4543979-G-A. GRCh37 (hg19) VCF-style: chr19-4543991-G-A.
Identifiers: ClinVar variation 3035133 (VCV003035133.2), dbSNP rs777541301, ClinGen allele CA9102251.

ClinVar aggregate classification (germline): Likely benign (0 of 4 stars; one submission).

Conditions:
SEMA6B-related disorder. Also called: SEMA6B-related condition.

Allele frequency attached by ClinVar (database versions not stated): gnomAD exomes 0.00007; gnomAD 0.00038; 1000 Genomes Project 30x 0.00172.
gnomAD v4.1: 144 of 1,204,198 alleles (0.012%); highest among the groups gnomAD compares: African/African-American, 0.19%; 3 homozygotes.

Submission:

PreventionGenetics, part of Exact Sciences
Classification: Likely benign for SEMA6B-related condition. Last evaluated: 2019-12-26. Review status: no assertion criteria provided. Collection method: clinical testing. Allele origin: germline.
Comment: This variant is classified as likely benign based on ACMG/AMP sequence variant interpretation guidelines (Richards et al. 2015 PMID: 25741868, with internal and published modifications).